The following is an entry in ClinVar:

ClinVar aggregate classification (germline): Likely benign. Review status: criteria provided, multiple submitters, no conflicts (2 of 4 stars). 2 submissions from 2 submitters: Likely benign (2). Last evaluated 2025-01-23.

Conditions:
Hereditary nonpolyposis colorectal neoplasms. Identifiers: MedGen C0009405, MeSH D003123.
Lynch syndrome 4 (LYNCH4). Also called: Hereditary non-polyposis colorectal cancer, type 4; Colorectal cancer, hereditary nonpolyposis, type 4. Identifiers: Orphanet 144, MedGen C1838333, MONDO:0013699, OMIM 614337. Disease mechanism: loss of function.

Submissions (2):

Myriad Genetics, Inc.
Classification: Likely benign for Lynch syndrome 4. Last evaluated: 2025-01-23. Review status: criteria provided, single submitter. Criteria: Myriad Autosomal Dominant, Autosomal Recessive and X-Linked Classification Criteria (2023). Collection method: clinical testing. Allele origin: unknown.
Comment: This variant is considered likely benign. This variant is intronic and is not expected to impact mRNA splicing.

Labcorp Genetics (formerly Invitae), Labcorp
Classification: Likely benign for Hereditary nonpolyposis colorectal neoplasms. Last evaluated: 2024-05-05. Review status: criteria provided, single submitter. Criteria: Invitae Variant Classification Sherloc (09022015). Collection method: clinical testing. Allele origin: germline.

NM_000535.7(PMS2):c.24-11G>T

Gene: PMS2 (PMS1 homolog 2, mismatch repair system component; minus strand). Cytogenetic location: 7p22.1.
Variant type: single nucleotide variant.
Coding change: c.24-11G>T on transcript NM_000535.7 (MANE Select); 11 bases into the intron before coding-DNA position 24, G replaced by T.
Molecular consequence: intron variant.
Genome position (GRCh38, 1-based): chr7:6,006,042, C>A on the plus strand (G>T on the coding strand, the complement: PMS2 is on the minus strand). VCF-style: chr7-6006042-C-A. GRCh37 (hg19) VCF-style: chr7-6045673-C-A.
Other names: c.-52-1984G>T (NM_001322008.2); c.-242-1984G>T (NM_001322010.2, NM_001322004.2); c.-377-16G>T (NM_001322013.2, NM_001322003.2, NM_001322009.2); c.-856-16G>T (NM_001322012.2); c.-456-16G>T (NM_001322015.2); c.-192-11G>T (NM_001322007.2); c.-861-11G>T (NM_001322011.2); c.24-11G>T (NM_001322006.2, NM_001322014.2); and 1 more.
Identifiers: ClinVar variation 1597198 (VCV001597198.9), dbSNP rs1554306632, ClinGen allele CA2573141950.
Genomic context (GRCh38, chr7:6,006,042, plus strand): 5'-GATGGACTGACTTCCGATCAATAGGTTTGATGGCCTTAGCAGGTTCTGTACTAGAGAAAT[C>A]AGTTACAAGAAACAAATCAAGTATTCAGCTATATATTTTCATCCTGATTTTAACTGTGGG-3'